The following is an entry in ClinVar:

ClinVar aggregate classification (germline): Uncertain significance. Review status: criteria provided, multiple submitters, no conflicts (2 of 4 stars). 2 submissions from 2 submitters: Uncertain significance (2). Last evaluated 2025-08-05.

Conditions:
Neurodevelopmental disorder with or without anomalies of the brain, eye, or heart (NEDBEH). Identifiers: Orphanet 494344, MedGen C5567477, MONDO:0014857, OMIM 616975.

Submissions (2):

Daryl Scott Lab, Baylor College of Medicine
Classification: Uncertain significance for Neurodevelopmental disorder with or without anomalies of the brain, eye, or heart. Last evaluated: 2025-08-05. Review status: criteria provided, single submitter. Criteria: ACMG Guidelines, 2015. Collection method: clinical testing. Allele origin: unknown. Affected: yes. Observed: 1 heterozygote.
Comment: PM2

Blueprint Genetics
Classification: Uncertain significance. Last evaluated: 2021-01-07. Review status: criteria provided, single submitter. Criteria: ACMG Guidelines, 2015. Collection method: clinical testing. Allele origin: germline.

NM_001042681.2(RERE):c.1789_1791dup (p.Gly597_Arg598insGly)

Gene: RERE (arginine-glutamic acid dipeptide repeats; minus strand). Cytogenetic location: 1p36.23.
Variant type: Duplication.
Coding change: c.1789_1791dup on transcript NM_001042681.2 (MANE Select); coding-DNA positions 1789 to 1791, 3 bases duplicated (GGT; older notation c.1789_1791dupGGT).
Protein change: p.Gly597_Arg598insGly.
Genome position (GRCh38, 1-based): chr1:8,362,794-8,362,796, ACC duplicated on the plus strand (GGT on the coding strand, the reverse complement: RERE is on the minus strand); duplicating any 3 consecutive bases within chr1:8,362,794-8,362,797 gives the same sequence; the c. name uses the placement nearest the transcript's 3' end. VCF-style (leftmost placement, unchanged base first): chr1-8362793-G-GACC. GRCh37 (hg19) VCF-style: chr1-8422853-G-GACC.
Other names: c.127_129dup, p.Gly43_Arg44insGly (NM_001042682.2); c.1789_1791dup, p.Gly597_Arg598insGly (NM_012102.4).
Identifiers: ClinVar variation 4075318 (VCV004075318.2).
Genomic context (GRCh38, chr1:8,362,793, plus strand): 5'-TGGCAGCGCTGGGGGAGTTCCGGCCGCTGGAGCGGATGTCTTCATTGATGGGTGAGGTGC[G>GACC]ACCATCAGGGCTGGCTGGCTGCTTCTTCCGACCACTGCGTAGTGTCGACATCTGCCCACC-3'